The following is an entry in ClinVar:

NM_001365536.1(SCN9A):c.4184G>A (p.Gly1395Asp)

Genes: SCN1A-AS1 (SCN1A and SCN9A antisense RNA 1; plus strand), SCN9A (sodium voltage-gated channel alpha subunit 9; minus strand). Cytogenetic location: 2q24.3.
Variant type: single nucleotide variant.
Coding change: c.4184G>A on transcript NM_001365536.1 (MANE Select); coding-DNA position 4184, G replaced by A.
Protein change: p.Gly1395Asp; replaces glycine 1395 with aspartic acid.
Molecular consequence: missense variant.
Genome position (GRCh38, 1-based): chr2:166,228,713, C>T on the plus strand (G>A on the coding strand, the complement: SCN9A is on the minus strand). VCF-style: chr2-166228713-C-T. GRCh37 (hg19) VCF-style: chr2-167085223-C-T.
Other names: c.4151G>A, p.Gly1384Asp (NM_002977.4); short protein forms G1384D, G1395D.
Identifiers: ClinVar variation 576713 (VCV000576713.8), dbSNP rs764682998, ClinGen allele CA1943935.

ClinVar aggregate classification (germline): Uncertain significance. Review status: criteria provided, multiple submitters, no conflicts (2 of 4 stars). 2 submissions from 2 submitters: Uncertain significance (2). Last evaluated 2022-07-08.

Conditions:
Neuropathy, hereditary sensory and autonomic, type 2A (HSAN2A). Also called: HSAN IIA; ACROOSTEOLYSIS, GIACCAI TYPE; ACROOSTEOLYSIS, NEUROGENIC; WNK1-Related HSAN2 (HSAN2A); MORVAN DISEASE; NEUROPATHY, CONGENITAL SENSORY. Identifiers: Orphanet 970, MedGen C2752089, MONDO:0024309, OMIM 201300.
Generalized epilepsy with febrile seizures plus, type 7 (GEFSP7). Also called: GEFS+, TYPE 7. Identifiers: Orphanet 36387, MedGen C2751778, MONDO:0013470, OMIM 613863.

Allele frequency attached by ClinVar (database versions not stated): gnomAD exomes below 0.00001; ExAC 0.00001.

Submissions (2):

Women's Health and Genetics/Laboratory Corporation of America, LabCorp
Classification: Uncertain significance. Last evaluated: 2022-07-08. Review status: criteria provided, single submitter. Criteria: LabCorp Variant Classification Summary - May 2015. Collection method: clinical testing. Allele origin: germline.
Comment: Variant summary: SCN9A c.4151G>A (p.Gly1384Asp) results in a non-conservative amino acid change located in the Ion transport domain of the encoded protein sequence. Five of five in-silico tools predict a damaging effect of the variant on protein function. The variant allele was found at a frequency of 4e-06 in 248488 control chromosomes. The available data on variant occurrences in the general population are insufficient to allow any conclusion about variant significance. To our knowledge, no occurrence of c.4151G>A in individuals affected with Primary Erythromelalgia and no experimental evidence demonstrating its impact on protein function have been reported. One clinical diagnostic laboratory has submitted clinical-significance assessments for this variant to ClinVar after 2014 without evidence for independent evaluation and classified the variant as uncertain significance. Based on the evidence outlined above, the variant was classified as uncertain significance.

Labcorp Genetics (formerly Invitae), Labcorp
Classification: Uncertain significance for Neuropathy, hereditary sensory and autonomic, type 2A; Generalized epilepsy with febrile seizures plus, type 7. Last evaluated: 2021-10-07. Review status: criteria provided, single submitter. Criteria: Invitae Variant Classification Sherloc (09022015). Collection method: clinical testing. Allele origin: germline.
Comment: This sequence change replaces glycine with aspartic acid at codon 1384 of the SCN9A protein (p.Gly1384Asp). The glycine residue is highly conserved and there is a moderate physicochemical difference between glycine and aspartic acid. In summary, the available evidence is currently insufficient to determine the role of this variant in disease. Therefore, it has been classified as a Variant of Uncertain Significance. Algorithms developed to predict the effect of missense changes on protein structure and function are either unavailable or do not agree on the potential impact of this missense change (SIFT: "Deleterious"; PolyPhen-2: "Probably Damaging"; Align-GVGD: "Class C15"). This variant has not been reported in the literature in individuals affected with SCN9A-related conditions. This variant is present in population databases (rs764682998, ExAC 0.002%).